The following is an entry in ClinVar:

NM_002972.4(SBF1):c.1249A>G (p.Met417Val)

Gene: SBF1 (SET binding factor 1; minus strand). Cytogenetic location: 22q13.33.
Variant type: single nucleotide variant.
Coding change: c.1249A>G on transcript NM_002972.4 (MANE Select); coding-DNA position 1249, A replaced by G.
Protein change: p.Met417Val; replaces methionine 417 with valine.
Molecular consequence: missense variant.
Genome position (GRCh38, 1-based): chr22:50,465,084, T>C on the plus strand (A>G on the coding strand, the complement: SBF1 is on the minus strand). VCF-style: chr22-50465084-T-C. GRCh37 (hg19) VCF-style: chr22-50903513-T-C.
Other names: c.1252A>G, p.Met418Val (NM_001365819.1); short protein forms M417V, M418V.
Identifiers: ClinVar variation 51005 (VCV000051005.11), dbSNP rs587776986, ClinGen allele CA143927.

ClinVar aggregate classification (germline): Pathogenic/Likely pathogenic. Review status: criteria provided, multiple submitters, no conflicts (2 of 4 stars). 4 submissions from 4 submitters: Pathogenic (1); Likely pathogenic (1). 2 of the submissions do not count toward it. Last evaluated 2025-06-22.

Conditions:
Charcot-Marie-Tooth disease type 4B3. Also called: Charcot-Marie-Tooth Neuropathy Type 4B3; CHARCOT-MARIE-TOOTH DISEASE, DEMYELINATING, TYPE 4B3. Identifiers: Orphanet 363981, MedGen C3695063, MONDO:0014117, OMIM 615284.
Microcephaly. Also called: Microcephaly (disease). Identifiers: MedGen C4551563, MONDO:0001149, HP:0000252.

Allele frequency attached by ClinVar (database versions not stated): gnomAD 0.00001 and 0.00004; gnomAD exomes 0.00003 and 0.00007; ExAC 0.00005; TOPMed 0.00008; 1000 Genomes Project 30x 0.00016.

Submissions (4):

Labcorp Genetics (formerly Invitae), Labcorp
Classification: Pathogenic. Last evaluated: 2025-06-22. Review status: criteria provided, single submitter. Criteria: Invitae Variant Classification Sherloc (09022015). Collection method: clinical testing. Allele origin: germline.
Comment: This sequence change replaces methionine, which is neutral and non-polar, with valine, which is neutral and non-polar, at codon 417 of the SBF1 protein (p.Met417Val). This variant is present in population databases (rs587776986, gnomAD 0.1%). This missense change has been observed in individual(s) with Charcot-Marie-Tooth disease (PMID: 23749797). In at least one individual the data is consistent with being in trans (on the opposite chromosome) from a pathogenic variant. It has also been observed to segregate with disease in related individuals. ClinVar contains an entry for this variant (Variation ID: 51005). Invitae Evidence Modeling of protein sequence and biophysical properties (such as structural, functional, and spatial information, amino acid conservation, physicochemical variation, residue mobility, and thermodynamic stability) indicates that this missense variant is not expected to disrupt SBF1 protein function with a negative predictive value of 80%. For these reasons, this variant has been classified as Pathogenic.

Juno Genomics, Hangzhou Juno Genomics, Inc
Classification: Likely pathogenic for Charcot-Marie-Tooth disease type 4B3. Review status: criteria provided, single submitter. Criteria: ACMG Guidelines, 2015. Collection method: clinical testing. Allele origin: germline. Affected: yes.
Comment: Absent from controls (or at extremely low frequency if recessive) in Genome Aggregation Database, Exome Sequencing Project, 1000 Genomes Project, or Exome Aggregation Consortium.;Multiple lines of computational evidence suggest no impact on gene or gene product (conservation, evolutionary, splicing impact, etc).;For recessive disorders, detected in trans with a pathogenic variant.;Co-segregation with disease in multiple affected family members in a gene definitively known to cause the disease.;Patient's phenotype or family history is highly specific for a disease with a single genetic etiology.

OMIM
Classification: Pathogenic for CHARCOT-MARIE-TOOTH DISEASE, DEMYELINATING, TYPE 4B3. Last evaluated: 2013-07-09. Review status: no assertion criteria provided. Collection method: literature only. Allele origin: germline. Not counted in ClinVar's aggregate classification.

Department of Pediatrics, Samsung Medical Center, Samsung Medical Center
Classification: Uncertain significance for Microcephaly. Review status: no assertion criteria provided. Criteria: ACMG Guidelines, 2015. Collection method: research. Allele origin: germline. Affected: yes. Not counted in ClinVar's aggregate classification.

Literature cited by the submitters: PubMed 23749797 (cited by Labcorp Genetics (formerly Invitae), Labcorp and OMIM).